The following is an entry in ClinVar:

NM_001376.5(DYNC1H1):c.1341G>C (p.Lys447Asn)

Gene: DYNC1H1 (dynein cytoplasmic 1 heavy chain 1; plus strand). Cytogenetic location: 14q32.31.
Variant type: single nucleotide variant.
Coding change: c.1341G>C on transcript NM_001376.5 (MANE Select); coding-DNA position 1341, G replaced by C.
Protein change: p.Lys447Asn; replaces lysine 447 with asparagine.
Molecular consequence: missense variant.
Genome position (GRCh38, 1-based): chr14:101,983,489, G>C. VCF-style: chr14-101983489-G-C. GRCh37 (hg19) VCF-style: chr14-102449826-G-C.
Other names: short protein forms K447N.
Identifiers: ClinVar variation 3252921 (VCV003252921.2), dbSNP rs2503686491.

ClinVar aggregate classification (germline): Uncertain significance (1 of 4 stars; one submission).

Submission:

GeneDx
Classification: Uncertain significance. Last evaluated: 2026-04-29. Review status: criteria provided, single submitter. Criteria: GeneDx Variant Classification Process June 2021. Collection method: clinical testing. Allele origin: germline.
Comment: Not observed at significant frequency in large population cohorts (gnomAD); In silico analysis supports that this missense variant has a deleterious effect on protein structure/function; Has not been previously published as pathogenic or benign to our knowledge; This variant is associated with the following publications: (PMID: 25512093, 25609763, 26100331)